The following is an entry in ClinVar:

NM_016219.5(MAN1B1):c.1747C>T (p.Arg583Trp)

Gene: MAN1B1 (mannosidase alpha class 1B member 1; plus strand). Cytogenetic location: 9q34.3.
Variant type: single nucleotide variant.
Coding change: c.1747C>T on transcript NM_016219.5 (MANE Select); coding-DNA position 1747, C replaced by T.
Protein change: p.Arg583Trp; replaces arginine 583 with tryptophan.
Molecular consequence: missense variant. On other transcripts: non-coding transcript variant (2).
Genome position (GRCh38, 1-based): chr9:137,107,430, C>T. VCF-style: chr9-137107430-C-T. GRCh37 (hg19) VCF-style: chr9-140001882-C-T.
Other names: short protein forms R583W.
Identifiers: ClinVar variation 4692073 (VCV004692073.1).

ClinVar aggregate classification (germline): Uncertain significance (1 of 4 stars; one submission).

Conditions:
Rafiq syndrome (RAFQS). Identifiers: Orphanet 88616, MedGen C3280127, MONDO:0013624, OMIM 614202.

gnomAD v4.1: 9 of 1,613,260 alleles (0.00056%); highest among the groups gnomAD compares: Admixed American, 0.005%; 1 homozygote.

Submission:

Labcorp Genetics (formerly Invitae), Labcorp
Classification: Uncertain significance for Rafiq syndrome. Last evaluated: 2025-11-17. Review status: criteria provided, single submitter. Criteria: Invitae Variant Classification Sherloc (09022015). Collection method: clinical testing. Allele origin: germline.
Comment: This sequence change replaces arginine, which is basic and polar, with tryptophan, which is neutral and slightly polar, at codon 583 of the MAN1B1 protein (p.Arg583Trp). This variant is present in population databases (rs767268601, gnomAD 0.009%). This missense change has been observed in individual(s) with MAN1B1-related conditions (PMID: 33057194, 35982159). An algorithm developed to predict the effect of missense changes on protein structure and function (PolyPhen-2) suggests that this variant is likely to be disruptive. In summary, the available evidence is currently insufficient to determine the role of this variant in disease. Therefore, it has been classified as a Variant of Uncertain Significance.

Literature cited by the submitters: PubMed 33057194; PubMed 35982159.